The following is an entry in ClinVar:

NM_001379500.1(COL18A1):c.152C>T (p.Pro51Leu)

Gene: COL18A1 (collagen type XVIII alpha 1 chain; plus strand). Cytogenetic location: 21q22.3.
Variant type: single nucleotide variant.
Coding change: c.152C>T on transcript NM_001379500.1 (MANE Select); coding-DNA position 152, C replaced by T.
Protein change: p.Pro51Leu; replaces proline 51 with leucine.
Molecular consequence: missense variant.
Genome position (GRCh38, 1-based): chr21:45,468,287, C>T. VCF-style: chr21-45468287-C-T. GRCh37 (hg19) VCF-style: chr21-46888201-C-T.
Other names: c.692C>T, p.Pro231Leu (NM_030582.4); c.1397C>T, p.Pro466Leu (NM_130444.3); short protein forms P231L, P466L, P51L.
Identifiers: ClinVar variation 2052177 (VCV002052177.3), dbSNP rs761392315, ClinGen allele CA10065684.
Genomic context (GRCh38, chr21:45,468,287, plus strand): 5'-TCTTTCTTTTTGCAGAGCGCATCAGCGAGGAGGTGGGGCTGCTGCAGCTCCTTGGGGACC[C>T]CCCGCCCCAGCAGGTCACCCAGACGGATGACCCCGACGTCGGGCTGGCCTACGTCTTTGG-3'
Protein context (NP_001366429.1, residues 41-61): EVGLLQLLGD[Pro51Leu]PPQQVTQTDD

ClinVar aggregate classification (germline): Uncertain significance (1 of 4 stars; one submission).

Allele frequency attached by ClinVar (database versions not stated): gnomAD exomes below 0.00001; ExAC 0.00001; TOPMed 0.00001.
gnomAD v4.1: 4 of 1,613,232 alleles (0.00025%); highest among the groups gnomAD compares: Non-Finnish European, 0.00034%; no homozygotes.

Submission:

Labcorp Genetics (formerly Invitae), Labcorp
Classification: Uncertain significance. Last evaluated: 2022-08-31. Review status: criteria provided, single submitter. Criteria: Invitae Variant Classification Sherloc (09022015). Collection method: clinical testing. Allele origin: germline.
Comment: In summary, the available evidence is currently insufficient to determine the role of this variant in disease. Therefore, it has been classified as a Variant of Uncertain Significance. Experimental studies and prediction algorithms are not available or were not evaluated, and the functional significance of this variant is currently unknown. This variant has not been reported in the literature in individuals affected with COL18A1-related conditions. This variant is present in population databases (rs761392315, gnomAD 0.002%). This sequence change replaces proline, which is neutral and non-polar, with leucine, which is neutral and non-polar, at codon 51 of the COL18A1 protein (p.Pro51Leu).